The following is an entry in ClinVar:

ClinVar aggregate classification (germline): Benign (1 of 4 stars; one submission).

Conditions:
Vesicoureteral reflux 2 (VUR2). Identifiers: Orphanet 289365, MedGen C1970483, MONDO:0012573, OMIM 610878.

Allele frequency attached by ClinVar (database versions not stated): 1000 Genomes Project 0.00120; gnomAD 0.00139 and 0.00148; TOPMed 0.00140; 1000 Genomes Project 30x 0.00172.
gnomAD v4.1: 207 of 152,194 alleles (0.14%); highest among the groups gnomAD compares: African/African-American, 0.48%; no homozygotes.

Submission:

Illumina Laboratory Services, Illumina
Classification: Benign for Vesicoureteral reflux 2. Last evaluated: 2018-01-12. Review status: criteria provided, single submitter. Criteria: ICSL Variant Classification Criteria 13 December 2019. Collection method: clinical testing. Allele origin: germline.
Comment: This variant was observed in the ICSL laboratory as part of a predisposition screen in an ostensibly healthy population. It had not been previously curated by ICSL or reported in the Human Gene Mutation Database (HGMD: prior to June 1st, 2018), and was therefore a candidate for classification through an automated scoring system. Utilizing variant allele frequency, disease prevalence and penetrance estimates, and inheritance mode, an automated score was calculated to assess if this variant is too frequent to cause the disease. Based on the score and internal cut-off values, a variant classified as benign is not then subjected to further curation. The score for this variant resulted in a classification of benign for this disease.

NM_001395656.1(ROBO2):c.*1754C>T

Gene: ROBO2 (roundabout guidance receptor 2; plus strand). Cytogenetic location: 3p12.3.
Variant type: single nucleotide variant.
Coding change: c.*1754C>T on transcript NM_001395656.1 (MANE Select); 1754 bases downstream of the stop codon, C replaced by T.
Molecular consequence: 3 prime UTR variant.
Genome position (GRCh38, 1-based): chr3:77,647,809, C>T. VCF-style: chr3-77647809-C-T. GRCh37 (hg19) VCF-style: chr3-77696960-C-T.
Other names: c.*1754C>T (NM_001128929.3, NM_001290039.2, NM_001290040.2 and 14 more transcripts); c.*1751C>T (NM_001378194.1, NM_001378196.1, NM_001378199.1 and 3 more transcripts).
Identifiers: ClinVar variation 899846 (VCV000899846.5), dbSNP rs144984920, ClinGen allele CA77533921.